The following is an entry in ClinVar:

ClinVar aggregate classification (germline): Uncertain significance. Review status: criteria provided, multiple submitters, no conflicts (2 of 4 stars). 2 submissions from 2 submitters: Uncertain significance (2). Last evaluated 2025-12-09.

Conditions:
Inborn genetic diseases. Identifiers: MedGen C0950123, MeSH D030342.
Fanconi anemia (FA). Also called: Fanconi's anemia. Identifiers: Orphanet 84, MedGen C0015625, MeSH D005199, MONDO:0019391.

gnomAD v4.1: 9 of 1,608,588 alleles (0.00056%); highest among the groups gnomAD compares: South Asian, 0.0055%; no homozygotes.

Submissions (2):

Ambry Genetics
Classification: Uncertain significance for Inborn genetic diseases. Last evaluated: 2025-12-09. Review status: criteria provided, single submitter. Criteria: Ambry Variant Classification Scheme 2023. Collection method: clinical testing. Allele origin: germline.

Labcorp Genetics (formerly Invitae), Labcorp
Classification: Uncertain significance for Fanconi anemia. Last evaluated: 2019-04-24. Review status: criteria provided, single submitter. Criteria: Invitae Variant Classification Sherloc (09022015). Collection method: clinical testing. Allele origin: germline.
Comment: In summary, the available evidence is currently insufficient to determine the role of this variant in disease. Therefore, it has been classified as a Variant of Uncertain Significance. Algorithms developed to predict the effect of missense changes on protein structure and function output the following: SIFT: "Tolerated"; PolyPhen-2: "Benign"; Align-GVGD: "Class C0". The arginine amino acid residue is found in multiple mammalian species, suggesting that this missense change does not adversely affect protein function. These predictions have not been confirmed by published functional studies and their clinical significance is uncertain. This variant has not been reported in the literature in individuals with FANCF-related conditions. This variant is present in population databases (rs766802308, ExAC 0.01%). This sequence change replaces lysine with arginine at codon 228 of the FANCF protein (p.Lys228Arg). The lysine residue is weakly conserved and there is a small physicochemical difference between lysine and arginine.

NM_022725.4(FANCF):c.683A>G (p.Lys228Arg)

Gene: FANCF (FA complementation group F; minus strand). Cytogenetic location: 11p14.3.
Variant type: single nucleotide variant.
Coding change: c.683A>G on transcript NM_022725.4 (MANE Select); coding-DNA position 683, A replaced by G.
Protein change: p.Lys228Arg; replaces lysine 228 with arginine.
Molecular consequence: missense variant.
Genome position (GRCh38, 1-based): chr11:22,625,128, T>C on the plus strand (A>G on the coding strand, the complement: FANCF is on the minus strand). VCF-style: chr11-22625128-T-C. GRCh37 (hg19) VCF-style: chr11-22646674-T-C.
Other names: c.683A>G (NM_022725.3); short protein forms K228R.
Identifiers: ClinVar variation 1011535 (VCV001011535.10), dbSNP rs766802308, ClinGen allele CA5924278.